The following is an entry in ClinVar:

NM_003185.4(TAF4):c.2493TGA[3] (p.Asp833_Ile834insAsp)

Gene: TAF4 (TATA-box binding protein associated factor 4; minus strand). Cytogenetic location: 20q13.33.
Variant type: Microsatellite.
Coding change: c.2493TGA[3] on transcript NM_003185.4 (MANE Select); three copies in a row of the 3-base unit TGA starting at c.2493; the reference has two copies in a row; one copy, 3 bases duplicated.
Protein change: p.Asp833_Ile834insAsp.
Molecular consequence: inframe insertion.
Genome position (GRCh38, 1-based): chr20:62,000,710-62,000,712, TCA duplicated on the plus strand (TGA on the coding strand, the reverse complement: TAF4 is on the minus strand); duplicating any 3 consecutive bases within chr20:62,000,710-62,000,717 gives the same sequence; the position shown is the placement nearest the transcript's 3' end. VCF-style (leftmost placement, unchanged base first): chr20-62000709-G-GTCA. GRCh37 (hg19) VCF-style: chr20-60575765-G-GTCA.
Identifiers: ClinVar variation 2663690 (VCV002663690.1), dbSNP rs2055694464, ClinGen allele CA2374028435.

ClinVar aggregate classification (germline): Uncertain significance (1 of 4 stars; one submission).

Submission:

GeneDx
Classification: Uncertain significance. Last evaluated: 2023-04-27. Review status: criteria provided, single submitter. Criteria: GeneDx Variant Classification Process June 2021. Collection method: clinical testing. Allele origin: germline. Affected: yes.
Comment: Not observed at significant frequency in large population cohorts (gnomAD); In-frame insertion of 1 amino acid in a non-repeat region; Has not been previously published as pathogenic or benign to our knowledge